The following is an entry in ClinVar:

NM_000179.3(MSH6):c.677dup (p.Ser227fs)

Gene: MSH6 (mutS homolog 6; plus strand). Cytogenetic location: 2p16.3.
Variant type: Duplication.
Coding change: c.677dup on transcript NM_000179.3 (MANE Select); coding-DNA position 677, one base duplicated (A; older notation c.677dupA).
Protein change: p.Ser227fs; shifts the reading frame from serine 227.
Molecular consequence: frameshift variant. On other transcripts: 5 prime UTR variant (9), non-coding transcript variant (4), intron variant (1).
Genome position (GRCh38, 1-based): chr2:47,798,660, A duplicated. VCF-style (leftmost placement, unchanged base first): chr2-47798659-G-GA. GRCh37 (hg19) VCF-style: chr2-48025798-G-GA.
Other names: c.287dup, p.Ser97fs (NM_001281492.2); c.-230dup (NM_001281493.2, NM_001281494.2, NM_001406811.1 and 6 more transcripts); c.773dup, p.Ser259fs (NM_001406795.1, NM_001406802.1); c.677dup, p.Ser227fs (NM_001406796.1, NM_001406798.1, NM_001406800.1 and 4 more transcripts); c.380dup, p.Ser128fs (NM_001406797.1, NM_001406801.1, NM_001406805.1 and 10 more transcripts); c.152dup, p.Ser52fs (NM_001406799.1, NM_001406806.1, NM_001406807.1); c.599dup, p.Ser201fs (NM_001406804.1); c.683dup, p.Ser229fs (NM_001406813.1); and 2 more; short protein forms S128fs, S171fs, S201fs, S227fs, S229fs, S259fs, S52fs, S97fs.
Identifiers: ClinVar variation 2673765 (VCV002673765.1), dbSNP rs2530565247, ClinGen allele CA2695200237.
Genomic context (GRCh38, chr2:47,798,659, plus strand): 5'-CTTGCCTGGCAGGTAGGCACAACTTACGTAACAGATAAGAGTGAAGAAGATAATGAAATT[G>GA]AGAGTGAAGAGGAAGTACAGCCTAAGACACAAGGATCTAGGCGAAGTAGCCGCCAAATAA-3'

ClinVar aggregate classification (germline): Pathogenic (1 of 4 stars; one submission).

Conditions:
Lynch syndrome 5 (LYNCH5). Also called: Colorectal cancer, hereditary nonpolyposis, type 5; Hereditary non-polyposis colorectal cancer, type 5. Identifiers: Orphanet 144, MedGen C1833477, MONDO:0013710, OMIM 614350. Disease mechanism: loss of function.

Submission:

Myriad Genetics, Inc.
Classification: Pathogenic for Lynch syndrome 5. Last evaluated: 2023-08-10. Review status: criteria provided, single submitter. Criteria: Myriad Autosomal Dominant, Autosomal Recessive and X-Linked Classification Criteria (2023). Collection method: clinical testing. Allele origin: unknown.
Comment: This variant is considered pathogenic. This variant creates a frameshift predicted to result in premature protein truncation.